The following is an entry in ClinVar:

ClinVar aggregate classification (germline): Uncertain significance. Review status: criteria provided, multiple submitters, no conflicts (2 of 4 stars). 2 submissions from 2 submitters: Uncertain significance (2). Last evaluated 2026-09-01.

Conditions:
Noonan syndrome (NS). Also called: Noonan's syndrome. Identifiers: Orphanet 648, MedGen C0028326, MeSH D009634, MONDO:0018997. Disease mechanism: gain of function.
RRAS-related disorder. Also called: RRAS-related condition.

Submissions (2):

PreventionGenetics, part of Exact Sciences
Classification: Uncertain significance for RRAS-related condition. Last evaluated: 2026-09-01. Review status: criteria provided, single submitter. Criteria: ACMG Guidelines, 2015. Collection method: clinical testing. Allele origin: germline.
Comment: The RRAS c.124A>G variant is predicted to result in the amino acid substitution p.Lys42Glu. To our knowledge, this variant has not been reported in the literature or in a large population database (gnomAD), indicating this variant is rare. At this time, the clinical significance of this variant is uncertain due to the absence of conclusive functional and genetic evidence.

Labcorp Genetics (formerly Invitae), Labcorp
Classification: Uncertain significance for Noonan syndrome. Last evaluated: 2024-02-17. Review status: criteria provided, single submitter. Criteria: Invitae Variant Classification Sherloc (09022015). Collection method: clinical testing. Allele origin: germline.
Comment: This sequence change replaces lysine, which is basic and polar, with glutamic acid, which is acidic and polar, at codon 42 of the RRAS protein (p.Lys42Glu). This variant is not present in population databases (gnomAD no frequency). This variant has not been reported in the literature in individuals affected with RRAS-related conditions. An algorithm developed to predict the effect of missense changes on protein structure and function (PolyPhen-2) suggests that this variant is likely to be disruptive. In summary, the available evidence is currently insufficient to determine the role of this variant in disease. Therefore, it has been classified as a Variant of Uncertain Significance.

NM_006270.5(RRAS):c.124A>G (p.Lys42Glu)

Gene: RRAS (RAS related; minus strand). Cytogenetic location: 19q13.33.
Variant type: single nucleotide variant.
Coding change: c.124A>G on transcript NM_006270.5 (MANE Select); coding-DNA position 124, A replaced by G.
Protein change: p.Lys42Glu; replaces lysine 42 with glutamic acid.
Molecular consequence: missense variant.
Genome position (GRCh38, 1-based): chr19:49,639,975, T>C on the plus strand (A>G on the coding strand, the complement: RRAS is on the minus strand). VCF-style: chr19-49639975-T-C. GRCh37 (hg19) VCF-style: chr19-50143232-T-C.
Other names: c.124A>G (NM_006270.4); short protein forms K42E.
Identifiers: ClinVar variation 3626166 (VCV003626166.3).